The following is an entry in ClinVar:

ClinVar aggregate classification (germline): Likely benign (1 of 4 stars; one submission).

Conditions:
Catecholaminergic polymorphic ventricular tachycardia (CVPT). Also called: Catecholamine-induced polymorphic ventricular tachycardia. Identifiers: Orphanet 3286, MedGen C5574922, MONDO:0017990.

gnomAD v4.1: 1 of 1,614,000 alleles (0.000062%); no homozygotes.

Submission:

All of Us Research Program, National Institutes of Health
Classification: Likely benign for Catecholaminergic polymorphic ventricular tachycardia. Last evaluated: 2023-08-15. Review status: criteria provided, single submitter. Criteria: ACMG Guidelines, 2015. Collection method: clinical testing. Allele origin: germline. Inheritance: Autosomal dominant inheritance. Observed: 1 variant allele, 1 heterozygote.
Comment: This study involves interpretation of variants in research participants for the purpose of population health screening. Participant phenotype was not available at the time of variant classification. Additional details can be found in publication PMID: 35346344, PMCID: PMC8962531

NM_001035.3(RYR2):c.237G>A (p.Gln79=)

Gene: RYR2 (ryanodine receptor 2; plus strand). Cytogenetic location: 1q43.
Variant type: single nucleotide variant.
Coding change: c.237G>A on transcript NM_001035.3 (MANE Select); coding-DNA position 237, G replaced by A.
Protein change: p.Gln79=; no amino-acid change (glutamine 79 retained).
Molecular consequence: synonymous variant.
Genome position (GRCh38, 1-based): chr1:237,330,946, G>A. VCF-style: chr1-237330946-G-A. GRCh37 (hg19) VCF-style: chr1-237494246-G-A.
Identifiers: ClinVar variation 3072702 (VCV003072702.1), dbSNP rs1339750810, ClinGen allele CA423861546.
Genomic context (GRCh38, chr1:237,330,946, plus strand): 5'-CCCAGACCTCTCCATCTGCACCTTTGTGCTGGAGCAGTCCCTCTCTGTCCGGGCGCTGCA[G>A]GAGATGCTGGCTAACACCGTGGAGAAATCAGAAGGGGCAAGTACCCAATTTATGTAGACT-3'
Protein context (NP_001026.2, residues 69-89): LEQSLSVRAL[Gln79=]EMLANTVEKS